The following is an entry in ClinVar:

NM_138927.4(SON):c.4111T>A (p.Ser1371Thr)

Gene: SON (SON DNA and RNA binding protein; plus strand). Cytogenetic location: 21q22.11.
Variant type: single nucleotide variant.
Coding change: c.4111T>A on transcript NM_138927.4 (MANE Select); coding-DNA position 4111, T replaced by A.
Protein change: p.Ser1371Thr; replaces serine 1371 with threonine.
Molecular consequence: missense variant. On other transcripts: non-coding transcript variant (1), intron variant (1).
Genome position (GRCh38, 1-based): chr21:33,553,342, T>A. VCF-style: chr21-33553342-T-A. GRCh37 (hg19) VCF-style: chr21-34925648-T-A.
Other names: c.4111T>A, p.Ser1371Thr (NM_001291411.2, NM_001412133.1, NM_032195.3 and 2 more transcripts); c.245-3814T>A (NM_001291412.3); short protein forms S1371T.
Identifiers: ClinVar variation 3023461 (VCV003023461.3), dbSNP rs367940292, ClinGen allele CA320152938.

ClinVar aggregate classification (germline): Uncertain significance (1 of 4 stars; one submission).

Allele frequency attached by ClinVar (database versions not stated): TOPMed below 0.00001; gnomAD 0.00001; ESP Exome Variant Server 0.00008.

Submission:

Labcorp Genetics (formerly Invitae), Labcorp
Classification: Uncertain significance. Last evaluated: 2023-07-06. Review status: criteria provided, single submitter. Criteria: Invitae Variant Classification Sherloc (09022015). Collection method: clinical testing. Allele origin: germline.
Comment: This sequence change replaces serine, which is neutral and polar, with threonine, which is neutral and polar, at codon 1371 of the SON protein (p.Ser1371Thr). This variant is not present in population databases (gnomAD no frequency). This variant has not been reported in the literature in individuals affected with SON-related conditions. An algorithm developed to predict the effect of missense changes on protein structure and function (PolyPhen-2) suggests that this variant is likely to be tolerated. In summary, the available evidence is currently insufficient to determine the role of this variant in disease. Therefore, it has been classified as a Variant of Uncertain Significance.